The following is an entry in ClinVar:

NM_001205293.3(CACNA1E):c.1042G>C (p.Gly348Arg)

Gene: CACNA1E (calcium voltage-gated channel subunit alpha1 E; plus strand). Cytogenetic location: 1q25.3.
Variant type: single nucleotide variant.
Coding change: c.1042G>C on transcript NM_001205293.3 (MANE Select); coding-DNA position 1042, G replaced by C.
Protein change: p.Gly348Arg; replaces glycine 348 with arginine.
Molecular consequence: missense variant.
Genome position (GRCh38, 1-based): chr1:181,651,428, G>C. VCF-style: chr1-181651428-G-C. GRCh37 (hg19) VCF-style: chr1-181620564-G-C.
Other names: c.1042G>C (NM_000721.3); c.1042G>C, p.Gly348Arg (NM_000721.4, NM_001205294.2); short protein forms G348R.
Identifiers: ClinVar variation 1320140 (VCV001320140.4), dbSNP rs2102063243, ClinGen allele CA343846643.

ClinVar aggregate classification (germline): Pathogenic/Likely pathogenic. Review status: criteria provided, multiple submitters, no conflicts (2 of 4 stars). 3 submissions from 3 submitters: Pathogenic (1); Likely pathogenic (1). 1 of the submissions does not count toward it. Last evaluated 2025-01-07.

Conditions:
Developmental and epileptic encephalopathy. Identifiers: MedGen C5779964, MONDO:0100620.
Developmental and epileptic encephalopathy, 69. Also called: EPILEPTIC ENCEPHALOPATHY, EARLY INFANTILE, 69. Identifiers: MedGen C4748988, MONDO:0032657, OMIM 618285.

Submissions (3):

GeneDx
Classification: Pathogenic. Last evaluated: 2025-01-07. Review status: criteria provided, single submitter. Criteria: GeneDx Variant Classification Process June 2021. Collection method: clinical testing. Allele origin: germline. Affected: yes.
Comment: Not observed at significant frequency in large population cohorts (gnomAD); In silico analysis supports that this missense variant has a deleterious effect on protein structure/function; This variant is associated with the following publications: (PMID: 30343943, 33776624)

3billion
Classification: Likely pathogenic for Developmental and epileptic encephalopathy, 69. Last evaluated: 2021-10-02. Review status: criteria provided, single submitter. Criteria: ACMG Guidelines, 2015. Collection method: clinical testing. Allele origin: germline. Affected: yes. Observed: 1 heterozygote.
Comment: The variant was observed as assumed (i.e. paternity and maternity not confirmed) de novoo (3billion dataset, PM6). It is not observed in the gnomAD v2.1.1 dataset (PM2). Missense changes are a common disease-causing mechanism (PP2). In silico tool predictions suggest damaging effect of the variant on gene or gene product (REVEL: 0.94, 3Cnet: 0.866, PP3). Therefore, this variant is classified as likely pathogenic according to the recommendation of ACMG/AMP guideline.

Yale Center for Mendelian Genomics, Yale University
Classification: Likely pathogenic for Developmental and epileptic encephalopathy. Last evaluated: 2018-11-01. Review status: no assertion criteria provided. Collection method: literature only. Allele origin: de novo. Affected: yes. Observed: 1 heterozygote. Study: Yale Center for Mendelian Genomics. Not counted in ClinVar's aggregate classification.

Literature cited by the submitters: PubMed 30343943 (cited by Yale Center for Mendelian Genomics, Yale University).